The following continues an entry in ClinVar:

NM_000548.5(TSC2):c.5024C>T (p.Pro1675Leu)

Gene: TSC2. ClinVar aggregate classification (germline): Pathogenic. Pathogenic (18).

Submissions 14 to 22 of 22:

Fulgent Genetics
Classification: Pathogenic for Lymphangiomyomatosis; Isolated focal cortical dysplasia type II; Tuberous sclerosis 2. Last evaluated: 2021-09-28. Review status: criteria provided, single submitter. Criteria: ACMG Guidelines, 2015. Collection method: clinical testing. Allele origin: unknown.

GeneDx
Classification: Pathogenic. Last evaluated: 2021-05-05. Review status: criteria provided, single submitter. Criteria: GeneDx Variant Classification Process June 2021. Collection method: clinical testing. Allele origin: germline. Affected: yes.
Comment: Functional studies indicate that P1675L is damaging to the protein (Hoogeveen-Westerveld et al., 2013; Aicher et al., 2001); Not observed in large population cohorts (Lek et al., 2016); This variant is associated with the following publications: (PMID: 12205112, 28065512, 32211034, 22903760, 11290735, 9302281, 23504366, 15024740, 12136241, 11112665, 25782670, 15121797, 11829138, 22867869, 10205261, 12111193, 27406250, 29801666, 31505689, 32313033)

Blueprint Genetics
Classification: Pathogenic for TSC2-related disorders. Last evaluated: 2021-04-06. Review status: criteria provided, single submitter. Criteria: ACMG Guidelines, 2015. Collection method: clinical testing. Allele origin: germline. Affected: yes. Observed: 1 variant allele.

Genetics and Molecular Pathology, SA Pathology
Classification: Pathogenic for Tuberous sclerosis 2. Last evaluated: 2021-03-01. Review status: criteria provided, single submitter. Criteria: ACMG Guidelines, 2015. Collection method: clinical testing. Allele origin: germline. Inheritance: Autosomal dominant inheritance. Affected: yes.
Comment: The TSC2 c.5024C>T variant is classified as a PATHOGENIC variant (PS3, PS4, PP3, PP4, PP5) The variant is a single nucleotide change from a cytosine to a thymine at position 5024 which is predicted to change the proline at position 1675 in the protein to leucine. The variant is in exon 39 and is located in RAP GTPases activating protein domain of the TSC2 gene. Furthermore, functional studies have shown that this variant decreases TSC2 protein expression levels, disrupts TSC2 phosphorylation, and prevents proper TSC2 protein binding with TSC1 (PMID: 11290735, 22903760) (PS3). The variant is considered as a recurrent change in the TSC2 gene, and has been reported many times in individuals with Tuberous sclerosis in the heterozygous state (PMID:9302281). The variant is in dbSNP (rs45483392) but is absent from population databases (PS4). The variant has been reported in ClinVar (Variation ID: 12393) and HGMD (Accession #: CM971532) as pathogenic (PP5). Computational predictions support a deleterious effect on the gene or gene product (PP3). The phenotype of this patient is highly specific for the TSC2 gene (PP4).

Juno Genomics, Hangzhou Juno Genomics, Inc
Classification: Pathogenic for Isolated focal cortical dysplasia type II; Lymphangiomyomatosis; Tuberous sclerosis 2. Review status: criteria provided, single submitter. Criteria: ACMG Guidelines, 2015. Collection method: clinical testing. Allele origin: germline. Affected: yes.
Comment: Absent from controls (or at extremely low frequency if recessive) in Genome Aggregation Database, Exome Sequencing Project, 1000 Genomes Project, or Exome Aggregation Consortium.;The prevalence of the variant in affected individuals is significantly increased compared to the prevalence in controls.;De novo (both maternity and paternity confirmed) in a patient with the disease and no family history.;Novel missense change at an amino acid residue where a different missense change determined to be pathogenic has been seen before.;Well-established in vitro or in vivo functional studies supportive of a damaging effect on the gene or gene product.;Multiple lines of computational evidence support a deleterious effect on the gene or gene product (conservation, evolutionary, splicing impact, etc).;Patient's phenotype or family history is highly specific for a disease with a single genetic etiology.

PreventionGenetics, part of Exact Sciences
Classification: Pathogenic for TSC2-related condition. Last evaluated: 2024-05-01. Review status: no assertion criteria provided. Collection method: clinical testing. Allele origin: germline. Not counted in ClinVar's aggregate classification.
Comment: The TSC2 c.5024C>T variant is predicted to result in the amino acid substitution p.Pro1675Leu. This variant has been reported as causative for tuberous sclerosis, and was found to be de novo in at least one patient (Maheshwar et al. 1997. PubMed ID: 9302281; Dabora et al. 2001. PubMed ID: 11112665; Aicher et al. 2001. PubMed ID: 11290735; Hoogeveen-Westerveld et al. 2013. PubMed ID: 22903760). A functional study showed that this variant affected phosphorylation and reduced interaction with hamartin (Aicher et al. 2001. PubMed ID: 11290735). This variant has not been reported in a large population database, indicating this variant is rare. This variant is interpreted as pathogenic.

OMIM
Classification: Pathogenic for TUBEROUS SCLEROSIS 2. Last evaluated: 1997-10-01. Review status: no assertion criteria provided. Collection method: literature only. Allele origin: germline. Not counted in ClinVar's aggregate classification.

Tuberous sclerosis database (TSC2)
No classification provided. Condition: TSC. Review status: no classification provided. Criteria: Tuberous Sclerosis Database Assertion Criteria 2015. Collection method: curation. Allele origin: germline. Affected: yes. Not counted in ClinVar's aggregate classification.

Tuberous sclerosis database (TSC2)
No classification provided. Condition: LAM. Review status: no classification provided. Criteria: Tuberous Sclerosis Database Assertion Criteria 2015. Collection method: curation. Allele origin: germline. Affected: yes. Not counted in ClinVar's aggregate classification.

Literature cited by the submitters: PubMed 9302281 (cited by 6 submitters); PubMed 9463313 (cited by Labcorp Genetics (formerly Invitae), Labcorp); PubMed 10570911 (cited by Labcorp Genetics (formerly Invitae), Labcorp and Athena Diagnostics); PubMed 11112665 (cited by Labcorp Genetics (formerly Invitae), Labcorp and Athena Diagnostics); PubMed 11520734 (cited by 3 submitters); PubMed 12111193 (cited by 4 submitters); PubMed 15024740 (cited by 4 submitters); PubMed 21520333 (cited by Labcorp Genetics (formerly Invitae), Labcorp); PubMed 22867869 (cited by Labcorp Genetics (formerly Invitae), Labcorp); PubMed 11290735 (cited by 6 submitters); PubMed 22903760 (cited by 6 submitters); PubMed 37228977 (cited by Dasa and Athena Diagnostics); PubMed 32313033 (cited by Athena Diagnostics); PubMed 28065512 (cited by Athena Diagnostics); PubMed 10205261 (cited by Athena Diagnostics); PubMed 10533067 (cited by Athena Diagnostics); PubMed 12136241 (cited by Athena Diagnostics); PubMed 17304050 (cited by Athena Diagnostics).